The following is an entry in ClinVar:

ClinVar aggregate classification (germline): Uncertain significance (1 of 4 stars; one submission).

Conditions:
Combined immunodeficiency due to CTPS1 deficiency. Also called: Severe combined immunodeficiency due to CTPS1 deficiency; Immunodeficiency 24. Identifiers: Orphanet 420573, MedGen C4014617, MONDO:0014391, OMIM 615897.

Allele frequency attached by ClinVar (database versions not stated): TOPMed below 0.00001.

Submission:

Labcorp Genetics (formerly Invitae), Labcorp
Classification: Uncertain significance for Combined immunodeficiency due to CTPS1 deficiency. Last evaluated: 2020-10-08. Review status: criteria provided, single submitter. Criteria: Invitae Variant Classification Sherloc (09022015). Collection method: clinical testing. Allele origin: germline.
Comment: In summary, the available evidence is currently insufficient to determine the role of this variant in disease. Therefore, it has been classified as a Variant of Uncertain Significance. Algorithms developed to predict the effect of sequence changes on RNA splicing suggest that this variant may create or strengthen a splice site, but this prediction has not been confirmed by published transcriptional studies. Algorithms developed to predict the effect of missense changes on protein structure and function (SIFT, PolyPhen-2, Align-GVGD) all suggest that this variant is likely to be tolerated, but these predictions have not been confirmed by published functional studies and their clinical significance is uncertain. This variant has not been reported in the literature in individuals with CTPS1-related conditions. This variant is not present in population databases (ExAC no frequency). This sequence change replaces aspartic acid with glycine at codon 418 of the CTPS1 protein (p.Asp418Gly). The aspartic acid residue is highly conserved and there is a moderate physicochemical difference between aspartic acid and glycine.

NM_001905.4(CTPS1):c.1253A>G (p.Asp418Gly)

Gene: CTPS1 (CTP synthase 1; plus strand). Cytogenetic location: 1p34.2.
Variant type: single nucleotide variant.
Coding change: c.1253A>G on transcript NM_001905.4 (MANE Select); coding-DNA position 1253, A replaced by G.
Protein change: p.Asp418Gly; replaces aspartic acid 418 with glycine.
Molecular consequence: missense variant. On other transcripts: non-coding transcript variant (1).
Genome position (GRCh38, 1-based): chr1:41,006,051, A>G. VCF-style: chr1-41006051-A-G. GRCh37 (hg19) VCF-style: chr1-41471723-A-G.
Other names: c.785A>G, p.Asp262Gly (NM_001301237.2); short protein forms D262G, D418G.
Identifiers: ClinVar variation 1061770 (VCV001061770.9), dbSNP rs1643025028, ClinGen allele CA339905745.